The following is an entry in ClinVar:

NM_000059.4(BRCA2):c.4867C>G (p.Gln1623Glu)

Gene: BRCA2 (BRCA2 DNA repair associated; plus strand). Cytogenetic location: 13q13.1.
Variant type: single nucleotide variant.
Coding change: c.4867C>G on transcript NM_000059.4 (MANE Select); coding-DNA position 4867, C replaced by G.
Protein change: p.Gln1623Glu; replaces glutamine 1623 with glutamic acid.
Molecular consequence: missense variant. On other transcripts: non-coding transcript variant (1), intron variant (2).
Genome position (GRCh38, 1-based): chr13:32,339,222, C>G. VCF-style: chr13-32339222-C-G. GRCh37 (hg19) VCF-style: chr13-32913359-C-G.
Other names: c.4867C>G, p.Gln1623Glu (NM_001406719.1, NM_001406720.1); c.1910-5336C>G (NM_001406721.1); c.425-5336C>G (NM_001406722.1); short protein forms Q1623E.
Identifiers: ClinVar variation 2681829 (VCV002681829.4), dbSNP rs2137511115, ClinGen allele CA387783446.

ClinVar aggregate classification (germline): Uncertain significance. Review status: criteria provided, multiple submitters, no conflicts (2 of 4 stars). 3 submissions from 3 submitters: Uncertain significance (3). Last evaluated 2025-06-10.

Conditions:
Hereditary breast ovarian cancer syndrome. Also called: Hereditary breast and ovarian cancer syndrome; Hereditary breast and ovarian cancer syndrome (HBOC); BRCA1- and BRCA2-Associated Hereditary Breast and Ovarian Cancer; Hereditary breast and ovarian cancer; Breast and ovarian cancer; Hereditary breast and/or ovarian cancer syndrome. Identifiers: Orphanet 145, MedGen C0677776, MeSH D061325, MONDO:0003582. Disease mechanism: loss of function.
Hereditary cancer-predisposing syndrome. Also called: Neoplastic Syndromes, Hereditary; Hereditary neoplastic syndrome; Tumor predisposition; Hereditary Cancer Syndrome. Identifiers: Orphanet 140162, MedGen C0027672, MeSH D009386, MONDO:0015356.

Submissions (3):

Ambry Genetics
Classification: Uncertain significance for Hereditary cancer-predisposing syndrome. Last evaluated: 2025-06-10. Review status: criteria provided, single submitter. Criteria: Ambry Variant Classification Scheme 2023. Collection method: clinical testing. Allele origin: germline.
Comment: The p.Q1623E variant (also known as c.4867C>G), located in coding exon 10 of the BRCA2 gene, results from a C to G substitution at nucleotide position 4867. The glutamine at codon 1623 is replaced by glutamic acid, an amino acid with highly similar properties. This amino acid position is conserved. In addition, this alteration is predicted to be tolerated by in silico analysis. Based on the available evidence, the clinical significance of this variant remains unclear.

Labcorp Genetics (formerly Invitae), Labcorp
Classification: Uncertain significance for Hereditary breast ovarian cancer syndrome. Last evaluated: 2024-06-03. Review status: criteria provided, single submitter. Criteria: Invitae Variant Classification Sherloc (09022015). Collection method: clinical testing. Allele origin: germline.
Comment: This sequence change replaces glutamine, which is neutral and polar, with glutamic acid, which is acidic and polar, at codon 1623 of the BRCA2 protein (p.Gln1623Glu). This variant is not present in population databases (gnomAD no frequency). This variant has not been reported in the literature in individuals affected with BRCA2-related conditions. Advanced modeling of protein sequence and biophysical properties (such as structural, functional, and spatial information, amino acid conservation, physicochemical variation, residue mobility, and thermodynamic stability) performed at Invitae indicates that this missense variant is not expected to disrupt BRCA2 protein function with a negative predictive value of 95%. In summary, the available evidence is currently insufficient to determine the role of this variant in disease. Therefore, it has been classified as a Variant of Uncertain Significance.

Quest Diagnostics Nichols Institute San Juan Capistrano
Classification: Uncertain significance. Last evaluated: 2023-05-09. Review status: criteria provided, single submitter. Criteria: Quest Diagnostics criteria. Collection method: clinical testing. Allele origin: unknown.
Comment: To the best of our knowledge, the variant has not been reported in the published literature. It also has not been reported in large, multi-ethnic general populations. Analysis of this variant using bioinformatics tools for the prediction of the effect of amino acid changes on protein structure and function yielded predictions that this variant is benign. Based on the available information, we are unable to determine the clinical significance of this variant.